The following is an entry in ClinVar:

ClinVar aggregate classification (germline): Uncertain significance. Review status: criteria provided, multiple submitters, no conflicts (2 of 4 stars). 2 submissions from 2 submitters: Uncertain significance (2). Last evaluated 2026-03-31.

Conditions:
Hereditary cancer-predisposing syndrome. Also called: Hereditary neoplastic syndrome; Neoplastic Syndromes, Hereditary; Tumor predisposition; Hereditary Cancer Syndrome. Identifiers: Orphanet 140162, MedGen C0027672, MeSH D009386, MONDO:0015356.
Tuberous sclerosis 2 (TSC2). Identifiers: Orphanet 805, MedGen C1860707, MONDO:0013199, OMIM 613254.

Submissions (2):

Ambry Genetics
Classification: Uncertain significance for Hereditary cancer-predisposing syndrome. Last evaluated: 2026-03-31. Review status: criteria provided, single submitter. Criteria: Ambry Variant Classification Scheme 2023. Collection method: clinical testing. Allele origin: germline.
Comment: The p.C791S variant (also known as c.2372G>C), located in coding exon 21 of the TSC2 gene, results from a G to C substitution at nucleotide position 2372. The cysteine at codon 791 is replaced by serine, an amino acid with dissimilar properties. This amino acid position is highly conserved in available vertebrate species. In addition, this alteration is predicted to be deleterious by in silico analysis. Based on the available evidence, the clinical significance of this variant remains unclear.

Labcorp Genetics (formerly Invitae), Labcorp
Classification: Uncertain significance for Tuberous sclerosis 2. Last evaluated: 2021-04-16. Review status: criteria provided, single submitter. Criteria: Invitae Variant Classification Sherloc (09022015). Collection method: clinical testing. Allele origin: germline.
Comment: In summary, the available evidence is currently insufficient to determine the role of this variant in disease. Therefore, it has been classified as a Variant of Uncertain Significance. Algorithms developed to predict the effect of missense changes on protein structure and function are either unavailable or do not agree on the potential impact of this missense change (SIFT: "Deleterious"; PolyPhen-2: "Possibly Damaging"; Align-GVGD: "Class C0"). This variant has not been reported in the literature in individuals with TSC2-related conditions. This variant is not present in population databases (ExAC no frequency). This sequence change replaces cysteine with serine at codon 791 of the TSC2 protein (p.Cys791Ser). The cysteine residue is highly conserved and there is a moderate physicochemical difference between cysteine and serine.

NM_000548.5(TSC2):c.2372G>C (p.Cys791Ser)

Gene: TSC2 (TSC complex subunit 2; plus strand). Cytogenetic location: 16p13.3.
Variant type: single nucleotide variant.
Coding change: c.2372G>C on transcript NM_000548.5 (MANE Select); coding-DNA position 2372, G replaced by C.
Protein change: p.Cys791Ser; replaces cysteine 791 with serine.
Molecular consequence: missense variant.
Genome position (GRCh38, 1-based): chr16:2,074,216, G>C. VCF-style: chr16-2074216-G-C. GRCh37 (hg19) VCF-style: chr16-2124217-G-C.
Other names: c.2372G>C (NM_000548.3); c.2372G>C, p.Cys791Ser (NM_001077183.3, NM_001114382.3, NM_001363528.2 and 3 more transcripts); c.2261G>C, p.Cys754Ser (NM_001318827.2); c.2225G>C, p.Cys742Ser (NM_001318829.2); c.1772G>C, p.Cys591Ser (NM_001318831.2); c.2405G>C, p.Cys802Ser (NM_001318832.2); short protein forms C591S, C742S, C754S, C791S, C802S.
Identifiers: ClinVar variation 1007359 (VCV001007359.9), dbSNP rs758961134, ClinGen allele CA394277001.